The following is an entry in ClinVar:

ClinVar aggregate classification (germline): Pathogenic (1 of 4 stars; one submission).

Conditions:
Holocarboxylase synthetase deficiency. Also called: MULTIPLE CARBOXYLASE DEFICIENCY, EARLY ONSET. Identifiers: Orphanet 79242, MedGen C0268581, MONDO:0009666, OMIM 253270.

Submission:

Myriad Genetics, Inc.
Classification: Pathogenic for Holocarboxylase synthetase deficiency. Last evaluated: 2024-03-20. Review status: criteria provided, single submitter. Criteria: Myriad Autosomal Dominant, Autosomal Recessive and X-Linked Classification Criteria (2023). Collection method: clinical testing. Allele origin: unknown.
Comment: NM_000411.6(HLCS):c.540delC(H180Qfs*78) is expected to be pathogenic in the context of holocarboxylase synthetase deficiency. This variant is predicted to lead to an abnormal or absent protein product due to the creation of a premature termination codon in HLCS, a gene where loss-of-function variants are known to be pathogenic. Please note: this variant was assessed in the context of healthy population screening.

NM_001352514.2(HLCS):c.981del (p.His327fs)

Gene: HLCS (holocarboxylase synthetase; minus strand). Cytogenetic location: 21q22.13.
Variant type: Deletion.
Coding change: c.981del on transcript NM_001352514.2 (MANE Select); coding-DNA position 981, one base deleted (C; older notation c.981delC).
Protein change: p.His327fs; shifts the reading frame from histidine 327.
Molecular consequence: frameshift variant. On other transcripts: non-coding transcript variant (2).
Genome position (GRCh38, 1-based): chr21:36,936,905, G deleted on the plus strand (C on the coding strand, the reverse complement: HLCS is on the minus strand). VCF-style (leftmost placement, unchanged base first): chr21-36936904-CG-C. GRCh37 (hg19) VCF-style: chr21-38309204-CG-C.
Other names: c.540del, p.His180fs (NM_000411.8, NM_001242784.3, NM_001242785.2 and 4 more transcripts); short protein forms H180fs, H327fs.
Identifiers: ClinVar variation 5012835 (VCV005012835.1).